The following is an entry in ClinVar:

NM_000038.6(APC):c.5500dup (p.Val1834fs)

Gene: APC (APC regulator of Wnt signaling pathway; plus strand). Cytogenetic location: 5q22.2.
Variant type: Duplication.
Coding change: c.5500dup on transcript NM_000038.6 (MANE Select); coding-DNA position 5500, one base duplicated (G; older notation c.5500dupG).
Protein change: p.Val1834fs; shifts the reading frame from valine 1834.
Molecular consequence: frameshift variant. On other transcripts: non-coding transcript variant (2).
Genome position (GRCh38, 1-based): chr5:112,841,094, G duplicated. VCF-style (leftmost placement, unchanged base first): chr5-112841093-A-AG. GRCh37 (hg19) VCF-style: chr5-112176790-A-AG.
Other names: c.5500dup, p.Val1834fs (NM_001127510.3, NM_001354895.2, NM_001407450.1); c.5446dup, p.Val1816fs (NM_001127511.3); c.5554dup, p.Val1852fs (NM_001354896.2, NM_001407447.1, NM_001407448.1 and 1 more transcripts); c.5530dup, p.Val1844fs (NM_001354897.2); c.5425dup, p.Val1809fs (NM_001354898.2); c.5416dup, p.Val1806fs (NM_001354899.2); c.5377dup, p.Val1793fs (NM_001354900.2); c.5323dup, p.Val1775fs (NM_001354901.2, NM_001407453.1); and 11 more; short protein forms V1708fs, V1775fs, V1824fs, V1862fs, V1450fs, V1705fs, V1751fs, V1806fs.
Identifiers: ClinVar variation 4587033 (VCV004587033.2).

ClinVar aggregate classification (germline): Pathogenic/Likely pathogenic. Review status: criteria provided, multiple submitters, no conflicts (2 of 4 stars). 2 submissions from 2 submitters: Pathogenic (1); Likely pathogenic (1). Last evaluated 2026-01-18.

Conditions:
Familial adenomatous polyposis 1 (FAP1). Also called: POLYPOSIS, ADENOMATOUS INTESTINAL; FAMILIAL ADENOMATOUS POLYPOSIS 1, ATTENUATED. Identifiers: MedGen C2713442, MONDO:0021056, OMIM 175100. Disease mechanism: loss of function.
Hereditary cancer-predisposing syndrome. Also called: Neoplastic Syndromes, Hereditary; Tumor predisposition; Hereditary Cancer Syndrome; Hereditary neoplastic syndrome. Identifiers: Orphanet 140162, MedGen C0027672, MeSH D009386, MONDO:0015356.

Submissions (2):

Labcorp Genetics (formerly Invitae), Labcorp
Classification: Pathogenic for Familial adenomatous polyposis 1. Last evaluated: 2026-01-18. Review status: criteria provided, single submitter. Criteria: Invitae Variant Classification Sherloc (09022015). Collection method: clinical testing. Allele origin: germline.
Comment: This sequence change creates a premature translational stop signal (p.Val1834Glyfs*8) in the APC gene. While this is not anticipated to result in nonsense mediated decay, it is expected to disrupt the last 1010 amino acid(s) of the APC protein. This variant is not present in population databases (gnomAD no frequency). This variant has not been reported in the literature in individuals affected with APC-related conditions. This variant is expected to disrupt the EB1 and HDLG binding sites, which mediate interactions with the cytoskeleton (PMID: 15311282, 17293347). While functional studies have not been performed to directly test the effect on APC protein function, this suggests that disruption of the C-terminal portion of the protein is functionally important. A different truncation (p.Tyr2645Lysfs*14) that lies downstream of this variant has been determined to be pathogenic (PMID: 9824584, 1316610, 27081525, 8381579, 22135120, internal data). This suggests that deletion of this region of the APC protein is causative of disease. For these reasons, this variant has been classified as Pathogenic.

Ambry Genetics
Classification: Likely pathogenic for Hereditary cancer-predisposing syndrome. Last evaluated: 2025-11-10. Review status: criteria provided, single submitter. Criteria: Ambry Variant Classification Scheme 2023. Collection method: clinical testing. Allele origin: germline.
Comment: The c.5500dupG variant, located in coding exon 15 of the APC gene, results from a duplication of G at nucleotide position 5500, causing a translational frameshift with a predicted alternate stop codon (p.V1834Gfs*8). This variant is considered to be rare based on population cohorts in the Genome Aggregation Database (gnomAD). This alteration is expected to result in loss of function by premature protein truncation or nonsense-mediated mRNA decay. As such, this alteration is interpreted as a disease-causing mutation.

Literature cited by the submitters: PubMed 15311282 (cited by Labcorp Genetics (formerly Invitae), Labcorp); PubMed 17293347 (cited by Labcorp Genetics (formerly Invitae), Labcorp); PubMed 9824584 (cited by Labcorp Genetics (formerly Invitae), Labcorp); PubMed 1316610 (cited by Labcorp Genetics (formerly Invitae), Labcorp); PubMed 27081525 (cited by Labcorp Genetics (formerly Invitae), Labcorp); PubMed 8381579 (cited by Labcorp Genetics (formerly Invitae), Labcorp); PubMed 22135120 (cited by Labcorp Genetics (formerly Invitae), Labcorp).